The following is an entry in ClinVar:

ClinVar aggregate classification (germline): Uncertain significance (1 of 4 stars; one submission).

Allele frequency attached by ClinVar (database versions not stated): ExAC 0.00001; gnomAD exomes 0.00001; TOPMed 0.00002.
gnomAD v4.1: 5 of 1,613,964 alleles (0.00031%); highest among the groups gnomAD compares: Admixed American, 0.0083%; no homozygotes.

Submission:

Labcorp Genetics (formerly Invitae), Labcorp
Classification: Uncertain significance. Last evaluated: 2024-10-23. Review status: criteria provided, single submitter. Criteria: Invitae Variant Classification Sherloc (09022015). Collection method: clinical testing. Allele origin: germline.
Comment: This sequence change replaces serine, which is neutral and polar, with proline, which is neutral and non-polar, at codon 226 of the GRXCR2 protein (p.Ser226Pro). This variant is present in population databases (rs760282045, gnomAD 0.02%). This variant has not been reported in the literature in individuals affected with GRXCR2-related conditions. ClinVar contains an entry for this variant (Variation ID: 2179125). An algorithm developed to predict the effect of missense changes on protein structure and function (PolyPhen-2) suggests that this variant is likely to be disruptive. In summary, the available evidence is currently insufficient to determine the role of this variant in disease. Therefore, it has been classified as a Variant of Uncertain Significance.

NM_001080516.2(GRXCR2):c.676T>C (p.Ser226Pro)

Gene: GRXCR2 (glutaredoxin and cysteine rich domain containing 2; minus strand). Cytogenetic location: 5q32.
Variant type: single nucleotide variant.
Coding change: c.676T>C on transcript NM_001080516.2 (MANE Select); coding-DNA position 676, T replaced by C.
Protein change: p.Ser226Pro; replaces serine 226 with proline.
Molecular consequence: missense variant.
Genome position (GRCh38, 1-based): chr5:145,859,804, A>G on the plus strand (T>C on the coding strand, the complement: GRXCR2 is on the minus strand). VCF-style: chr5-145859804-A-G. GRCh37 (hg19) VCF-style: chr5-145239367-A-G.
Other names: short protein forms S226P.
Identifiers: ClinVar variation 2179125 (VCV002179125.3), dbSNP rs760282045, ClinGen allele CA3487930.